The following is an entry in ClinVar:

ClinVar aggregate classification (germline): Benign/Likely benign. Review status: criteria provided, multiple submitters, no conflicts (2 of 4 stars). 3 submissions from 3 submitters: Benign (1); Likely benign (1). 1 of the submissions does not count toward it. Last evaluated 2026-01-28.

Conditions:
Epidermolysis bullosa dystrophica. Also called: Dystrophic epidermolysis bullosa, Hallopeau-Siemens type (formerly); Dystrophic epidermolysis bullosa. Identifiers: Orphanet 303, MedGen C0079294, MONDO:0006543.

Allele frequency attached by ClinVar (database versions not stated): ESP Exome Variant Server 0.00008; gnomAD 0.00010 and 0.00006; TOPMed 0.00011; gnomAD exomes 0.00012 and 0.00025; ExAC 0.00030; 1000 Genomes Project 30x 0.00047; 1000 Genomes Project 0.00060.
gnomAD v4.1: 183 of 1,613,682 alleles (0.011%); highest among the groups gnomAD compares: East Asian, 0.39%; 1 homozygote.

Submissions (3):

Labcorp Genetics (formerly Invitae), Labcorp
Classification: Benign. Last evaluated: 2026-01-28. Review status: criteria provided, single submitter. Criteria: Invitae Variant Classification Sherloc (09022015). Collection method: clinical testing. Allele origin: germline.

Illumina Laboratory Services, Illumina
Classification: Likely benign for Dystrophic epidermolysis bullosa. Last evaluated: 2018-01-12. Review status: criteria provided, single submitter. Criteria: ICSL Variant Classification Criteria 13 December 2019. Collection method: clinical testing. Allele origin: germline.
Comment: This variant was observed in the ICSL laboratory as part of a predisposition screen in an ostensibly healthy population. It had not been previously curated by ICSL or reported in the Human Gene Mutation Database (HGMD: prior to June 1st, 2018), and was therefore a candidate for classification through an automated scoring system. Utilizing variant allele frequency, disease prevalence and penetrance estimates, and inheritance mode, an automated score was calculated to assess if this variant is too frequent to cause the disease. Based on the score and internal cut-off values, a variant classified as likely benign is not then subjected to further curation. The score for this variant resulted in a classification of likely benign for this disease.

Natera, Inc.
Classification: Likely benign for Dystrophic epidermolysis bullosa. Last evaluated: 2020-05-21. Review status: no assertion criteria provided. Collection method: clinical testing. Allele origin: germline. Not counted in ClinVar's aggregate classification.

NM_000094.4(COL7A1):c.1527C>T (p.Ser509=)

Gene: COL7A1 (collagen type VII alpha 1 chain; minus strand). Cytogenetic location: 3p21.31.
Variant type: single nucleotide variant.
Coding change: c.1527C>T on transcript NM_000094.4 (MANE Select); coding-DNA position 1527, C replaced by T.
Protein change: p.Ser509=; no amino-acid change (serine 509 retained).
Molecular consequence: synonymous variant.
Genome position (GRCh38, 1-based): chr3:48,591,573, G>A on the plus strand (C>T on the coding strand, the complement: COL7A1 is on the minus strand). VCF-style: chr3-48591573-G-A. GRCh37 (hg19) VCF-style: chr3-48629006-G-A.
Identifiers: ClinVar variation 345873 (VCV000345873.17), dbSNP rs78149541, ClinGen allele CA2381183.
Genomic context (GRCh38, chr3:48,591,573, plus strand): 5'-GCTCCAGGACACTCGCACCCGCTGCCCGGGCAGCTCGGTGGCTTGCAGGTCTGTTACAGG[G>A]CTCACAGGCAGCTCTGGTCCTGTTGGAGAGCACAGCATAGAGGCAGCCTGGGGCTCCGAC-3'
Protein context (NP_000085.1, residues 499-519): VVPTGPELPV[Ser509=]PVTDLQATEL